The following is an entry in ClinVar:

NM_004370.6(COL12A1):c.1048G>A (p.Val350Ile)

Gene: COL12A1 (collagen type XII alpha 1 chain; minus strand). Cytogenetic location: 6q13.
Variant type: single nucleotide variant.
Coding change: c.1048G>A on transcript NM_004370.6 (MANE Select); coding-DNA position 1048, G replaced by A.
Protein change: p.Val350Ile; replaces valine 350 with isoleucine.
Molecular consequence: missense variant. On other transcripts: intron variant (2).
Genome position (GRCh38, 1-based): chr6:75,184,094, C>T on the plus strand (G>A on the coding strand, the complement: COL12A1 is on the minus strand). VCF-style: chr6-75184094-C-T. GRCh37 (hg19) VCF-style: chr6-75893810-C-T.
Other names: c.1048G>A, p.Val350Ile (NM_001424113.1, NM_001424114.1, NM_001424115.1); c.73+18626G>A (NM_001424116.1, NM_080645.3); short protein forms V350I.
Identifiers: ClinVar variation 2933851 (VCV002933851.3), dbSNP rs1769481003, ClinGen allele CA364774054.
Genomic context (GRCh38, chr6:75,184,094, plus strand): 5'-GTGTGAGGATGACTTTGTAGCCAGTCACTGGACTAGGAGATGGATTCCAATTTAGCTTAA[C>T]ATATTTTGAAGAGACTTCCATGGCAATCAAATTTGAAGGAGGCTCAACAACTAAAAAGTT-3'
Protein context (NP_004361.3, residues 340-360): LIAMEVSSKY[Val350Ile]KLNWNPSPSP

ClinVar aggregate classification (germline): Uncertain significance (1 of 4 stars; one submission).

Conditions:
Ullrich congenital muscular dystrophy 2 (UCMD2). Identifiers: Orphanet 75840, MedGen C4225314, MONDO:0014654, OMIM 616470.
Bethlem myopathy 2 (BTHLM2). Identifiers: Orphanet 536516, Orphanet 610, MedGen C4225313, MONDO:0034022, OMIM 616471.

Allele frequency attached by ClinVar (database versions not stated): gnomAD exomes below 0.00001; gnomAD 0.00001.
gnomAD v4.1: 4 of 1,613,962 alleles (0.00025%); highest among the groups gnomAD compares: African/African-American, 0.0013%; no homozygotes.

Submission:

Labcorp Genetics (formerly Invitae), Labcorp
Classification: Uncertain significance for Bethlem myopathy 2; Ullrich congenital muscular dystrophy 2. Last evaluated: 2023-11-18. Review status: criteria provided, single submitter. Criteria: Invitae Variant Classification Sherloc (09022015). Collection method: clinical testing. Allele origin: germline.
Comment: This sequence change replaces valine, which is neutral and non-polar, with isoleucine, which is neutral and non-polar, at codon 350 of the COL12A1 protein (p.Val350Ile). This variant is not present in population databases (gnomAD no frequency). This variant has not been reported in the literature in individuals affected with COL12A1-related conditions. Advanced modeling of protein sequence and biophysical properties (such as structural, functional, and spatial information, amino acid conservation, physicochemical variation, residue mobility, and thermodynamic stability) performed at Invitae indicates that this missense variant is not expected to disrupt COL12A1 protein function with a negative predictive value of 80%. In summary, the available evidence is currently insufficient to determine the role of this variant in disease. Therefore, it has been classified as a Variant of Uncertain Significance.